The following is an entry in ClinVar:

NM_024417.5(FDXR):c.221C>T (p.Pro74Leu)

Gene: FDXR (ferredoxin reductase; minus strand). Cytogenetic location: 17q25.1.
Variant type: single nucleotide variant.
Coding change: c.221C>T on transcript NM_024417.5 (MANE Select); coding-DNA position 221, C replaced by T.
Protein change: p.Pro74Leu; replaces proline 74 with leucine.
Molecular consequence: missense variant. On other transcripts: non-coding transcript variant (1).
Genome position (GRCh38, 1-based): chr17:74,866,833, G>A on the plus strand (C>T on the coding strand, the complement: FDXR is on the minus strand). VCF-style: chr17-74866833-G-A. GRCh37 (hg19) VCF-style: chr17-72862955-G-A.
Other names: c.350C>T, p.Pro117Leu (NM_001258012.4); c.314C>T, p.Pro105Leu (NM_001258013.4); c.221C>T, p.Pro74Leu (NM_001258014.4, NM_004110.6); c.224C>T, p.Pro75Leu (NM_001258015.3); c.65C>T, p.Pro22Leu (NM_001258016.3); short protein forms P74L, P117L, P22L, P75L, P105L.
Identifiers: ClinVar variation 520993 (VCV000520993.14), dbSNP rs746953590, ClinGen allele CA8753297.

ClinVar aggregate classification (germline): Conflicting classifications of pathogenicity. Review status: criteria provided, conflicting classifications (1 of 4 stars). 7 submissions from 7 submitters: Pathogenic (1); Likely pathogenic (4); Uncertain significance (2). Last evaluated 2026-01-05.

Conditions:
FDXR-related disorder. Also called: FDXR-related condition; FDXR-related disorders.
Auditory neuropathy-optic atrophy syndrome. Also called: MULTIPLE MITOCHONDRIAL DYSFUNCTIONS SYNDROME 9A; AUDITORY NEUROPATHY AND OPTIC ATROPHY. Identifiers: Orphanet 542585, MedGen C4521678, MONDO:0060582, OMIM 617717.
Inborn genetic diseases. Identifiers: MedGen C0950123, MeSH D030342.
Ferrodoxin Reductase (FDXR) Deficiency.

Allele frequency attached by ClinVar (database versions not stated): TOPMed 0.00002; ExAC 0.00001; gnomAD exomes 0.00001 and 0.00002; gnomAD 0.00002.
gnomAD v4.1: 12 of 1,614,078 alleles (0.00074%); highest among the groups gnomAD compares: Admixed American, 0.015%; no homozygotes.

Submissions (7):

Stanford Starfish Project, Stanford University
Classification: Pathogenic for Ferrodoxin Reductase (FDXR) Deficiency. Last evaluated: 2026-01-05. Review status: criteria provided, single submitter. Criteria: ACMG Guidelines, 2015. Collection method: provider interpretation. Allele origin: unknown. Inheritance: Autosomal recessive inheritance. Affected: yes. Observed: 1 compound heterozygote.
Comment: The FDXR c.221C>T variant is predicted to result in the amino acid substitution p.Pro74Leu. This variant is reported in 0.012% of alleles in individuals of Latino descent in gnomAD. See Observation for more details. Compound heterozygous for FDXR c.1156C>T p.(Arg386Trp) and c.221C>T p.(Pro74Leu); parental testing not performed.

GeneDx
Classification: Likely pathogenic. Last evaluated: 2025-05-28. Review status: criteria provided, single submitter. Criteria: GeneDx Variant Classification Process June 2021. Collection method: clinical testing. Allele origin: germline. Affected: yes.
Comment: Not observed in large population cohorts (gnomAD); In silico analysis supports that this missense variant has a deleterious effect on protein structure/function; This variant is associated with the following publications: (PMID: 33348459, 29040572, 38885337, 6766943)

PreventionGenetics, part of Exact Sciences
Classification: Uncertain significance for FDXR-related condition. Last evaluated: 2025-05-12. Review status: criteria provided, single submitter. Criteria: ACMG Guidelines, 2015. Collection method: clinical testing. Allele origin: germline.
Comment: The FDXR c.221C>T variant is predicted to result in the amino acid substitution p.Pro74Leu. This variant has been reported in the heterozygous state, along with the p.Arg386Trp variant, in an individual with mitochondriopathy and optic atrophy (Peng et al. 2017. PubMed ID: 29040572). This variant is reported in 0.012% of alleles in individuals of Latino descent in gnomAD. Although we suspect that this variant may be pathogenic, at this time, the clinical significance of this variant is uncertain due to the absence of conclusive functional and genetic evidence.

Laboratorio de Genetica e Diagnostico Molecular, Hospital Israelita Albert Einstein
Classification: Uncertain significance for Auditory neuropathy-optic atrophy syndrome. Last evaluated: 2024-08-13. Review status: criteria provided, single submitter. Criteria: ACMG Guidelines, 2015. Collection method: clinical testing. Allele origin: germline. Affected: yes.
Comment: ACMG classification criteria: PM2 supporting, PM3 moderate

Blueprint Genetics
Classification: Likely pathogenic for FDXR-related disorders. Last evaluated: 2024-02-22. Review status: criteria provided, single submitter. Criteria: ACMG Guidelines, 2015. Collection method: clinical testing. Allele origin: germline. Affected: yes. Observed: 4 variant alleles.

3billion
Classification: Likely pathogenic for Auditory neuropathy-optic atrophy syndrome. Last evaluated: 2022-03-22. Review status: criteria provided, single submitter. Criteria: ACMG Guidelines, 2015. Collection method: clinical testing. Allele origin: germline. Affected: yes. Observed: 1 heterozygote.
Comment: Same nucleotide change resulting in same amino acid change has been previously reported as pathogenic/likely pathogenic with strong evidence (ClinVar ID: VCV000520993, PMID:29040572). The variant is observed at an extremely low frequency in the gnomAD v2.1.1 dataset (total allele frequency: 0.0000159). A missense variant is a common mechanism associated with Auditory neuropathy and optic atrophy. Therefore, this variant is classified as likely pathogenic according to the recommendation of ACMG/AMP guideline.

Ambry Genetics
Classification: Likely pathogenic for Inborn genetic diseases. Last evaluated: 2018-05-17. Review status: criteria provided, single submitter. Criteria: Ambry exome assertion method (8-5-2015). Collection method: clinical testing. Allele origin: germline. Affected: yes. Observed: 1 variant allele.

Literature cited by the submitters: PubMed 29040572 (cited by 3billion); PubMed 6766943 (cited by Ambry Genetics).